The following is an entry in ClinVar:

ClinVar aggregate classification (germline): Uncertain significance (1 of 4 stars; one submission).

Conditions:
Intellectual developmental disorder, autosomal dominant 6, with or without seizures. Also called: Intellectual disability, autosomal dominant 6; GRIN2B-related developmental delay, intellectual disability and autism spectrum disorder. Identifiers: Orphanet 589547, MedGen C3151411, MONDO:0013509, OMIM 613970.
Developmental and epileptic encephalopathy, 27 (DEE27). Also called: GRIN2B-Related Neurodevelopmental Disorder; Epileptic encephalopathy, early infantile, 27. Identifiers: Orphanet 3451, MedGen C4015316, MONDO:0014505, OMIM 616139.

Submission:

Labcorp Genetics (formerly Invitae), Labcorp
Classification: Uncertain significance for Developmental and epileptic encephalopathy, 27; Intellectual developmental disorder, autosomal dominant 6, with or without seizures. Last evaluated: 2018-08-20. Review status: criteria provided, single submitter. Criteria: Invitae Variant Classification Sherloc (09022015). Collection method: clinical testing. Allele origin: germline.
Comment: This sequence change replaces arginine with proline at codon 1158 of the GRIN2B protein (p.Arg1158Pro). The arginine residue is moderately conserved and there is a moderate physicochemical difference between arginine and proline. In summary, the available evidence is currently insufficient to determine the role of this variant in disease. Therefore, it has been classified as a Variant of Uncertain Significance. Algorithms developed to predict the effect of missense changes on protein structure and function are either unavailable or do not agree on the potential impact of this missense change (SIFT: "Tolerated"; PolyPhen-2: "Possibly Damaging"; Align-GVGD: "Class C0"). This variant has not been reported in the literature in individuals with GRIN2B-related disease. This variant is not present in population databases (ExAC no frequency).

NM_000834.5(GRIN2B):c.3473G>C (p.Arg1158Pro)

Gene: GRIN2B (glutamate ionotropic receptor NMDA type subunit 2B; minus strand). Cytogenetic location: 12p13.1.
Variant type: single nucleotide variant.
Coding change: c.3473G>C on transcript NM_000834.5 (MANE Select); coding-DNA position 3473, G replaced by C.
Protein change: p.Arg1158Pro; replaces arginine 1158 with proline.
Molecular consequence: missense variant.
Genome position (GRCh38, 1-based): chr12:13,563,765, C>G on the plus strand (G>C on the coding strand, the complement: GRIN2B is on the minus strand). VCF-style: chr12-13563765-C-G. GRCh37 (hg19) VCF-style: chr12-13716699-C-G.
Other names: short protein forms R1158P.
Identifiers: ClinVar variation 646735 (VCV000646735.9), dbSNP rs143955920, ClinGen allele CA383989115.
Genomic context (GRCh38, chr12:13,563,765, plus strand): 5'-TGAGACCTGTTGGTACAGGGCCCTCCTCCGCTGACGGAGTCGCGCTTAAAGTCATCACTC[C>G]GCTCCTTGTAGATGTCGGTCAGGTCTACGTGCTCCCAGTGGGGTGAGTTCTCCTTTGTTC-3'
Protein context (NP_000825.2, residues 1148-1168): HVDLTDIYKE[Arg1158Pro]SDDFKRDSVS